The following is an entry in ClinVar:

NM_006929.5(SKIC2):c.2341-1G>T

Gene: SKIC2 (SKI2 subunit of superkiller complex; plus strand). Cytogenetic location: 6p21.33.
Variant type: single nucleotide variant.
Coding change: c.2341-1G>T on transcript NM_006929.5 (MANE Select); the canonical splice acceptor site of the intron before coding-DNA position 2341, G replaced by T.
Molecular consequence: splice acceptor variant.
Genome position (GRCh38, 1-based): chr6:31,967,003, G>T. VCF-style: chr6-31967003-G-T. GRCh37 (hg19) VCF-style: chr6-31934780-G-T.
Identifiers: ClinVar variation 1301692 (VCV001301692.4), dbSNP rs1772848223, ClinGen allele CA363472540.

ClinVar aggregate classification (germline): Pathogenic/Likely pathogenic. Review status: criteria provided, multiple submitters, no conflicts (2 of 4 stars). 2 submissions from 2 submitters: Pathogenic (1); Likely pathogenic (1). Last evaluated 2025-09-06.

Conditions:
Trichohepatoenteric syndrome 2 (THES2). Identifiers: Orphanet 84064, MedGen C3281289, MONDO:0013818, OMIM 614602.

gnomAD v4.1: 3 of 1,612,972 alleles (0.00019%); highest among the groups gnomAD compares: Middle Eastern, 0.033%; no homozygotes.

Submissions (2):

Labcorp Genetics (formerly Invitae), Labcorp
Classification: Likely pathogenic. Last evaluated: 2025-09-06. Review status: criteria provided, single submitter. Criteria: Invitae Variant Classification Sherloc (09022015). Collection method: clinical testing. Allele origin: germline.
Comment: This sequence change affects an acceptor splice site in intron 19 of the SKIV2L gene. It is expected to disrupt RNA splicing. Variants that disrupt the donor or acceptor splice site typically lead to a loss of protein function (PMID: 16199547), and loss-of-function variants in SKIV2L are known to be pathogenic (PMID: 22444670). This variant is not present in population databases (gnomAD no frequency). This variant has not been reported in the literature in individuals affected with SKIV2L-related conditions. ClinVar contains an entry for this variant (Variation ID: 1301692). Algorithms developed to predict the effect of sequence changes on RNA splicing suggest that this variant may disrupt the consensus splice site. In summary, the currently available evidence indicates that the variant is pathogenic, but additional data are needed to prove that conclusively. Therefore, this variant has been classified as Likely Pathogenic.

Dubai Health Genomic Medicine Center, Dubai Health
Classification: Pathogenic for Trichohepatoenteric syndrome 2. Last evaluated: 2021-01-28. Review status: criteria provided, single submitter. Criteria: ACMG Guidelines, 2015. Collection method: clinical testing. Allele origin: germline. Affected: yes.
Comment: The c.2341-1G>T variant in SKIV2L has not been previously reported in individuals with disease and was absent from large population studies such as the Genome Aggregation Database (gnomAD) and the Greater Middle East (GME) variome database. This variant occurs in the invariant region (+/- 1/2) of the splice consensus sequence and is predicted to cause altered splicing leading to an abnormal or absent protein. Other disease causing variants have been reported in the same exon where the c.2341-1G>T is found (Human Gene Mutation Database). In summary this variant meets our criteria to be classified as pathogenic.

Literature cited by the submitters: PubMed 16199547 (cited by Labcorp Genetics (formerly Invitae), Labcorp); PubMed 22444670 (cited by Labcorp Genetics (formerly Invitae), Labcorp).